The following is an entry in ClinVar:

ClinVar aggregate classification (germline): Uncertain significance (1 of 4 stars; one submission).

Conditions:
Familial cancer of breast. Also called: hereditary breast carcinoma; Hereditary breast cancer; BREAST CANCER, FAMILIAL. Identifiers: Orphanet 227535, MedGen C0346153, MONDO:0016419, OMIM 114480. Disease mechanism: loss of function.

Allele frequency attached by ClinVar (database versions not stated): gnomAD 0.00001.
gnomAD v4.1: 1 of 1,613,742 alleles (0.000062%); no homozygotes.

Submission:

Labcorp Genetics (formerly Invitae), Labcorp
Classification: Uncertain significance for Familial cancer of breast. Last evaluated: 2022-06-15. Review status: criteria provided, single submitter. Criteria: Invitae Variant Classification Sherloc (09022015). Collection method: clinical testing. Allele origin: germline.
Comment: This sequence change replaces glutamine, which is neutral and polar, with arginine, which is basic and polar, at codon 343 of the PALB2 protein (p.Gln343Arg). This variant is not present in population databases (gnomAD no frequency). This variant has not been reported in the literature in individuals affected with PALB2-related conditions. Algorithms developed to predict the effect of missense changes on protein structure and function output the following: SIFT: "Tolerated"; PolyPhen-2: "Benign"; Align-GVGD: "Class C0". The arginine amino acid residue is found in multiple mammalian species, which suggests that this missense change does not adversely affect protein function. In summary, the available evidence is currently insufficient to determine the role of this variant in disease. Therefore, it has been classified as a Variant of Uncertain Significance.

NM_024675.4(PALB2):c.1028A>G (p.Gln343Arg)

Gene: PALB2 (partner and localizer of BRCA2; minus strand). Cytogenetic location: 16p12.2.
Variant type: single nucleotide variant.
Coding change: c.1028A>G on transcript NM_024675.4 (MANE Select); coding-DNA position 1028, A replaced by G.
Protein change: p.Gln343Arg; replaces glutamine 343 with arginine.
Molecular consequence: missense variant.
Genome position (GRCh38, 1-based): chr16:23,635,518, T>C on the plus strand (A>G on the coding strand, the complement: PALB2 is on the minus strand). VCF-style: chr16-23635518-T-C. GRCh37 (hg19) VCF-style: chr16-23646839-T-C.
Other names: c.968A>G, p.Gln323Arg (NM_001407296.1); c.1028A>G, p.Gln343Arg (NM_001407297.1, NM_001407298.1, NM_001407299.1 and 3 more transcripts); c.143A>G, p.Gln48Arg (NM_001407304.1, NM_001407305.1, NM_001407306.1 and 5 more transcripts); short protein forms Q343R, Q48R, Q323R.
Identifiers: ClinVar variation 2006813 (VCV002006813.4), dbSNP rs1567221796, ClinGen allele CA395134319.